The following is an entry in ClinVar:

ClinVar aggregate classification (germline): Conflicting classifications of pathogenicity. Review status: criteria provided, conflicting classifications (1 of 4 stars). 8 submissions from 8 submitters: Uncertain significance (2); Likely benign (3). 3 of the submissions do not count toward it. Last evaluated 2026-02-04.

Conditions:
Glutaric aciduria, type 1. Also called: Glutaric Acidemia Type 1; Glutaric acidemia type I; Glutaricacidemia Type 1; Glutaryl-CoA dehydrogenase deficiency; Glutaricaciduria, type I; GA I. Identifiers: Orphanet 25, MedGen C0268595, MONDO:0009281, OMIM 231670.

Allele frequency attached by ClinVar (database versions not stated): gnomAD exomes 0.00013 and 0.00036; ExAC 0.00049; ESP Exome Variant Server 0.00154; TOPMed 0.00155; 1000 Genomes Project 0.00160; gnomAD 0.00167 and 0.00172; 1000 Genomes Project 30x 0.00187.
gnomAD v4.1: 451 of 1,614,224 alleles (0.028%); highest among the groups gnomAD compares: African/African-American, 0.55%; 5 homozygotes.

Submissions (8):

Labcorp Genetics (formerly Invitae), Labcorp
Classification: Likely benign for Glutaric aciduria, type 1. Last evaluated: 2026-02-04. Review status: criteria provided, single submitter. Criteria: Invitae Variant Classification Sherloc (09022015). Collection method: clinical testing. Allele origin: germline.

Mayo Clinic Laboratories, Mayo Clinic
Classification: Uncertain significance. Last evaluated: 2025-06-26. Review status: criteria provided, single submitter. Criteria: ACMG Guidelines, 2015. Collection method: clinical testing. Allele origin: germline. Observed: 3 variant alleles.
Comment: BS1, PM3_supporting

Blueprint Genetics
Classification: Likely benign. Last evaluated: 2023-08-21. Review status: criteria provided, single submitter. Criteria: ACMG Guidelines, 2015. Collection method: clinical testing. Allele origin: germline.

GeneDx
Classification: Likely benign. Last evaluated: 2019-08-14. Review status: criteria provided, single submitter. Criteria: GeneDx Variant Classification Process June 2021. Collection method: clinical testing. Allele origin: germline. Affected: yes.

Center for Pediatric Genomic Medicine, Children's Mercy Hospital and Clinics
Classification: Uncertain significance. Last evaluated: 2015-06-04. Review status: criteria provided, single submitter. Criteria: ACMG Guidelines, 2015. Collection method: clinical testing. Allele origin: germline.
ClinVar note: Converted during submission from Uncertain Significance to Uncertain significance.

Natera, Inc.
Classification: Likely benign for Glutaric acidemia type 1. Last evaluated: 2020-05-29. Review status: no assertion criteria provided. Collection method: clinical testing. Allele origin: germline. Not counted in ClinVar's aggregate classification.

Clinical Genetics DNA and cytogenetics Diagnostics Lab, Erasmus MC, Erasmus Medical Center
Classification: Likely benign. Review status: no assertion criteria provided. Collection method: clinical testing. Allele origin: germline. Affected: yes. Study: VKGL Data-share Consensus. Not counted in ClinVar's aggregate classification.

Clinical Genetics, Academic Medical Center
Classification: Benign. Review status: no assertion criteria provided. Collection method: clinical testing. Allele origin: germline. Affected: yes. Study: VKGL Data-share Consensus. Not counted in ClinVar's aggregate classification.

Literature cited by the submitters: PubMed 22728054 (cited by Mayo Clinic Laboratories, Mayo Clinic); PubMed 37020324 (cited by Mayo Clinic Laboratories, Mayo Clinic).

NM_000159.4(GCDH):c.271+3G>A

Gene: GCDH (glutaryl-CoA dehydrogenase; plus strand). Cytogenetic location: 19p13.13.
Variant type: single nucleotide variant.
Coding change: c.271+3G>A on transcript NM_000159.4 (MANE Select); 3 bases into the intron after coding-DNA position 271, G replaced by A.
Molecular consequence: intron variant.
Genome position (GRCh38, 1-based): chr19:12,891,977, G>A. VCF-style: chr19-12891977-G-A. GRCh37 (hg19) VCF-style: chr19-13002791-G-A.
Other names: p.?; c.271+3G>A (NM_013976.5).
Identifiers: ClinVar variation 235597 (VCV000235597.21), dbSNP rs75430014, ClinGen allele CA9234285.
Genomic context (GRCh38, chr19:12,891,977, plus strand): 5'-CGCACCTACTGCCAGGAGAGACTCATGCCTCGCATCCTGTTGGCCAATCGCAACGAAGGT[G>A]GGCGGGCTGGTGGGTGCCCTGAGACTGCTCCTCCGCCTGGAGCCATAGCCACCCCACCTC-3'